The following is an entry in ClinVar:

NM_006059.4(LAMC3):c.4003G>A (p.Ala1335Thr)

Gene: LAMC3 (laminin subunit gamma 3; plus strand). Cytogenetic location: 9q34.12.
Variant type: single nucleotide variant.
Coding change: c.4003G>A on transcript NM_006059.4 (MANE Select); coding-DNA position 4003, G replaced by A.
Protein change: p.Ala1335Thr; replaces alanine 1335 with threonine.
Molecular consequence: missense variant.
Genome position (GRCh38, 1-based): chr9:131,082,134, G>A. VCF-style: chr9-131082134-G-A. GRCh37 (hg19) VCF-style: chr9-133957521-G-A.
Other names: c.4003G>A (NM_006059.3); short protein forms A1335T.
Identifiers: ClinVar variation 1999356 (VCV001999356.3), dbSNP rs1291791396, ClinGen allele CA375263700.

ClinVar aggregate classification (germline): Uncertain significance. Review status: criteria provided, multiple submitters, no conflicts (2 of 4 stars). 2 submissions from 2 submitters: Uncertain significance (2). Last evaluated 2025-05-28.

Conditions:
Inborn genetic diseases. Identifiers: MedGen C0950123, MeSH D030342.

gnomAD v4.1: 1 of 1,613,748 alleles (0.000062%); highest among the groups gnomAD compares: African/African-American, 0.0013%; no homozygotes.

Submissions (2):

Ambry Genetics
Classification: Uncertain significance for Inborn genetic diseases. Last evaluated: 2025-05-28. Review status: criteria provided, single submitter. Criteria: Ambry Variant Classification Scheme 2023. Collection method: clinical testing. Allele origin: germline.

Labcorp Genetics (formerly Invitae), Labcorp
Classification: Uncertain significance. Last evaluated: 2022-09-07. Review status: criteria provided, single submitter. Criteria: Invitae Variant Classification Sherloc (09022015). Collection method: clinical testing. Allele origin: germline.
Comment: In summary, the available evidence is currently insufficient to determine the role of this variant in disease. Therefore, it has been classified as a Variant of Uncertain Significance. Algorithms developed to predict the effect of missense changes on protein structure and function are either unavailable or do not agree on the potential impact of this missense change (SIFT: "Deleterious"; PolyPhen-2: "Benign"; Align-GVGD: "Class C0"). This variant has not been reported in the literature in individuals affected with LAMC3-related conditions. This variant is not present in population databases (gnomAD no frequency). This sequence change replaces alanine, which is neutral and non-polar, with threonine, which is neutral and polar, at codon 1335 of the LAMC3 protein (p.Ala1335Thr).